The following is an entry in ClinVar:

ClinVar aggregate classification (germline): Uncertain significance (1 of 4 stars; one submission).

gnomAD v4.1: 1 of 1,609,562 alleles (0.000062%); no homozygotes.

Submission:

Labcorp Genetics (formerly Invitae), Labcorp
Classification: Uncertain significance. Last evaluated: 2023-07-28. Review status: criteria provided, single submitter. Criteria: Invitae Variant Classification Sherloc (09022015). Collection method: clinical testing. Allele origin: germline.
Comment: This variant has not been reported in the literature in individuals affected with CACNA2D4-related conditions. This variant is not present in population databases (gnomAD no frequency). This sequence change replaces glycine, which is neutral and non-polar, with aspartic acid, which is acidic and polar, at codon 562 of the CACNA2D4 protein (p.Gly562Asp). In summary, the available evidence is currently insufficient to determine the role of this variant in disease. Therefore, it has been classified as a Variant of Uncertain Significance. An algorithm developed to predict the effect of missense changes on protein structure and function (PolyPhen-2) suggests that this variant is likely to be disruptive.

NM_172364.5(CACNA2D4):c.1685G>A (p.Gly562Asp)

Gene: CACNA2D4 (calcium voltage-gated channel auxiliary subunit alpha2delta 4; minus strand). Cytogenetic location: 12p13.33.
Variant type: single nucleotide variant.
Coding change: c.1685G>A on transcript NM_172364.5 (MANE Select); coding-DNA position 1685, G replaced by A.
Protein change: p.Gly562Asp; replaces glycine 562 with aspartic acid.
Molecular consequence: missense variant.
Genome position (GRCh38, 1-based): chr12:1,878,349, C>T on the plus strand (G>A on the coding strand, the complement: CACNA2D4 is on the minus strand). VCF-style: chr12-1878349-C-T. GRCh37 (hg19) VCF-style: chr12-1987515-C-T.
Other names: short protein forms G562D.
Identifiers: ClinVar variation 2838048 (VCV002838048.3), dbSNP rs1592728679, ClinGen allele CA383353551.
Genomic context (GRCh38, chr12:1,878,349, plus strand): 5'-CCAAGGCAAAGAAGATCTGTACCTACCAGGGGCCGGAGGTCGGGATGGGAGAGGATGTAG[C>T]CATTGTTGGTGTTCAGAAAGGCGTATCCGTGCACTCCAAGCTGCCAGAGTCCAGGGTGGA-3'
Protein context (NP_758952.4, residues 552-572): HGYAFLNTNN[Gly562Asp]YILSHPDLRP